The following is an entry in ClinVar:

NM_000937.5(POLR2A):c.4997C>G (p.Pro1666Arg)

Gene: POLR2A (RNA polymerase II subunit A; plus strand). Cytogenetic location: 17p13.1.
Variant type: single nucleotide variant.
Coding change: c.4997C>G on transcript NM_000937.5 (MANE Select); coding-DNA position 4997, C replaced by G.
Protein change: p.Pro1666Arg; replaces proline 1666 with arginine.
Molecular consequence: missense variant.
Genome position (GRCh38, 1-based): chr17:7,513,261, C>G. VCF-style: chr17-7513261-C-G. GRCh37 (hg19) VCF-style: chr17-7416580-C-G.
Other names: short protein forms P1666R.
Identifiers: ClinVar variation 3376078 (VCV003376078.1).

ClinVar aggregate classification (germline): Uncertain significance (1 of 4 stars; one submission).

Submission:

GeneDx
Classification: Uncertain significance. Last evaluated: 2024-05-03. Review status: criteria provided, single submitter. Criteria: GeneDx Variant Classification Process June 2021. Collection method: clinical testing. Allele origin: germline. Affected: yes.
Comment: Not observed at significant frequency in large population cohorts (gnomAD); Has not been previously published as pathogenic or benign to our knowledge; In silico analysis does not support a benign or deleterious effect of this variant on protein structure/ function